The following is an entry in ClinVar:

ClinVar aggregate classification (germline): no classifications from unflagged records (0 of 4 stars; one submission).

Conditions:
Chronic obstructive pulmonary disease. Also called: Chronic pulmonary obstruction. Identifiers: MedGen C0024117, MeSH D029424, MONDO:0005002, OMIM 606963, HP:0006510.

Submission:

Dr Mariam's Lab, University of the Punjab
Classification: Likely pathogenic for Chronic obstructive pulmonary disease. Review status: flagged submission. Collection method: case-control. Allele origin: germline. Affected: yes.
ClinVar note: Notes: This phenotype is not a monogenic disease. The terms P/LP are not appropriate.
ClinVar note: Reason: Other

NM_000583.4(GC):c.1368C>A (p.Asn456Lys)

Gene: GC (GC vitamin D binding protein; minus strand). Cytogenetic location: 4q13.3.
Variant type: single nucleotide variant.
Coding change: c.1368C>A on transcript NM_000583.4 (MANE Select); coding-DNA position 1368, C replaced by A.
Protein change: p.Asn456Lys; replaces asparagine 456 with lysine.
Molecular consequence: missense variant.
Genome position (GRCh38, 1-based): chr4:71,752,545, G>T on the plus strand (C>A on the coding strand, the complement: GC is on the minus strand). VCF-style: chr4-71752545-G-T. GRCh37 (hg19) VCF-style: chr4-72618262-G-T.
Other names: c.1368C>A, p.Asn456Lys (NM_001204306.1); c.1425C>A, p.Asn475Lys (NM_001204307.1); short protein forms N456K, N475K.
Identifiers: ClinVar variation 3336641 (VCV003336641.1).